The following is an entry in ClinVar:

NM_172107.4(KCNQ2):c.1136A>T (p.Tyr379Phe)

Gene: KCNQ2 (potassium voltage-gated channel subfamily Q member 2; minus strand). Cytogenetic location: 20q13.33.
Variant type: single nucleotide variant.
Coding change: c.1136A>T on transcript NM_172107.4 (MANE Select); coding-DNA position 1136, A replaced by T.
Protein change: p.Tyr379Phe; replaces tyrosine 379 with phenylalanine.
Molecular consequence: missense variant. On other transcripts: intron variant (1).
Genome position (GRCh38, 1-based): chr20:63,431,352, T>A on the plus strand (A>T on the coding strand, the complement: KCNQ2 is on the minus strand). VCF-style: chr20-63431352-T-A. GRCh37 (hg19) VCF-style: chr20-62062705-T-A.
Other names: c.1136A>T, p.Tyr379Phe (NM_172106.3, NM_172108.5); c.1118+2457A>T (NM_004518.6); short protein forms Y379F.
Identifiers: ClinVar variation 430416 (VCV000430416.2), dbSNP rs752773828, ClinGen allele CA409650660.

ClinVar aggregate classification (germline): Uncertain significance (1 of 4 stars; one submission).

Submission:

GeneDx
Classification: Uncertain significance. Last evaluated: 2017-05-26. Review status: criteria provided, single submitter. Criteria: GeneDx Variant Classification (06012015). Collection method: clinical testing. Allele origin: germline. Affected: yes.
Comment: A variant of uncertain significance has been identified in the KCNQ2 gene. The Y379F variant has not been published as a pathogenic variant, nor has it been reported as a benign variant to our knowledge. The Y379F variant is not observed in large population cohorts (Lek et al., 2016; 1000 Genomes Consortium et al., 2015; Exome Variant Server). The Y379F variant is a non-conservative amino acid substitution, which is likely to impact secondary protein structure as these residues differ in polarity, charge, size and/or other properties. This substitution occurs at a conserved position predicted to be within the C-terminal cytoplasmic domain. In silico analysis is inconsistent in its predictions as to whether or not the variant is damaging to the protein structure/function. Based on the currently available information, it is unclear whether this variant is a pathogenic variant or a rare benign variant.